The following is an entry in ClinVar:

NM_004304.5(ALK):c.187C>A (p.Leu63Ile)

Gene: ALK (ALK receptor tyrosine kinase; minus strand). Cytogenetic location: 2p23.1.
Variant type: single nucleotide variant.
Coding change: c.187C>A on transcript NM_004304.5 (MANE Select); coding-DNA position 187, C replaced by A.
Protein change: p.Leu63Ile; replaces leucine 63 with isoleucine.
Molecular consequence: missense variant.
Genome position (GRCh38, 1-based): chr2:29,920,473, G>T on the plus strand (C>A on the coding strand, the complement: ALK is on the minus strand). VCF-style: chr2-29920473-G-T. GRCh37 (hg19) VCF-style: chr2-30143339-G-T.
Other names: short protein forms L63I.
Identifiers: ClinVar variation 4040399 (VCV004040399.1).

ClinVar aggregate classification (germline): Uncertain significance (1 of 4 stars; one submission).

Conditions:
Hereditary cancer-predisposing syndrome. Also called: Neoplastic Syndromes, Hereditary; Tumor predisposition; Hereditary neoplastic syndrome; Hereditary Cancer Syndrome. Identifiers: Orphanet 140162, MedGen C0027672, MeSH D009386, MONDO:0015356.

Submission:

Ambry Genetics
Classification: Uncertain significance for Hereditary cancer-predisposing syndrome. Last evaluated: 2025-03-27. Review status: criteria provided, single submitter. Criteria: Ambry Variant Classification Scheme 2023. Collection method: clinical testing. Allele origin: germline.
Comment: The p.L63I variant (also known as c.187C>A), located in coding exon 1 of the ALK gene, results from a C to A substitution at nucleotide position 187. The leucine at codon 63 is replaced by isoleucine, an amino acid with highly similar properties. This amino acid position is conserved. In addition, the in silico prediction for this alteration is inconclusive. Based on the available evidence, the clinical significance of this variant remains unclear.